The following is an entry in ClinVar:

ClinVar aggregate classification (germline): Likely benign (1 of 4 stars; one submission).

gnomAD v4.1: 14 of 1,613,680 alleles (0.00087%); highest among the groups gnomAD compares: African/African-American, 0.0067%; no homozygotes.

Submission:

CeGaT Center for Human Genetics Tuebingen
Classification: Likely benign. Last evaluated: 2025-01-01. Review status: criteria provided, single submitter. Criteria: CeGaT Center For Human Genetics Tuebingen Variant Classification Criteria Version 2. Collection method: clinical testing. Allele origin: germline. Affected: yes. Observed: 1 variant allele.
Comment: STAMBPL1: BP4, BP7

NM_020799.4(STAMBPL1):c.540C>T (p.Phe180=)

Gene: STAMBPL1 (STAM binding protein like 1; plus strand). Cytogenetic location: 10q23.31.
Variant type: single nucleotide variant.
Coding change: c.540C>T on transcript NM_020799.4 (MANE Select); coding-DNA position 540, C replaced by T.
Protein change: p.Phe180=; no amino-acid change (phenylalanine 180 retained).
Molecular consequence: synonymous variant.
Genome position (GRCh38, 1-based): chr10:88,913,220, C>T. VCF-style: chr10-88913220-C-T. GRCh37 (hg19) VCF-style: chr10-90672977-C-T.
Identifiers: ClinVar variation 3771751 (VCV003771751.13).
Genomic context (GRCh38, chr10:88,913,220, plus strand): 5'-AAGGAAGCGGATTGCTCAGATGCGCCAGCAGCAGCTAGAATCGGAGCAGTTTCTGTTTTT[C>T]GAAGATCAACTCAAGAAGCAAGAGTTAGCCCGAGGTCAAATGCGAAGTCAGCAAACCTCA-3'
Protein context (NP_065850.1, residues 170-190): QQLESEQFLF[Phe180=]EDQLKKQELA